The following is an entry in ClinVar:

NM_001114753.3(ENG):c.-77C>G

Gene: ENG (endoglin; minus strand). Cytogenetic location: 9q34.11.
Variant type: single nucleotide variant.
Coding change: c.-77C>G on transcript NM_001114753.3 (MANE Select); 77 bases upstream of the start codon, C replaced by G.
Molecular consequence: 5 prime UTR variant.
Genome position (GRCh38, 1-based): chr9:127,854,432, G>C on the plus strand (C>G on the coding strand, the complement: ENG is on the minus strand). VCF-style: chr9-127854432-G-C. GRCh37 (hg19) VCF-style: chr9-130616711-G-C.
Other names: c.-77C>G (NM_000118.4, NM_001406715.1).
Identifiers: ClinVar variation 1422696 (VCV001422696.6), dbSNP rs1829099196, ClinGen allele CA1879999015.

ClinVar aggregate classification (germline): Uncertain significance (1 of 4 stars; one submission).

Conditions:
Hereditary hemorrhagic telangiectasia (HHT). Also called: ORW DISEASE; Osler Weber Rendu syndrome; OSLER-RENDU-WEBER DISEASE; Osler hemorrhagic telangiectasia syndrome. Identifiers: Orphanet 774, MedGen C0039445, MONDO:0019180. Disease mechanism: loss of function.

gnomAD v4.1: 4 of 1,478,572 alleles (0.00027%); highest among the groups gnomAD compares: Non-Finnish European, 0.00037%; no homozygotes.

Submission:

Labcorp Genetics (formerly Invitae), Labcorp
Classification: Uncertain significance for Hereditary hemorrhagic telangiectasia. Last evaluated: 2021-12-01. Review status: criteria provided, single submitter. Criteria: Invitae Variant Classification Sherloc (09022015). Collection method: clinical testing. Allele origin: germline.
Comment: This variant occurs in a non-coding region of the ENG gene. It does not change the encoded amino acid sequence of the ENG protein. This variant is not present in population databases (gnomAD no frequency). This variant has not been reported in the literature in individuals affected with ENG-related conditions. Experimental studies and prediction algorithms are not available or were not evaluated, and the functional significance of this variant is currently unknown. In summary, the available evidence is currently insufficient to determine the role of this variant in disease. Therefore, it has been classified as a Variant of Uncertain Significance.